The following is an entry in ClinVar:

NM_206933.4(USH2A):c.14134-3G>A

Gene: USH2A (usherin; minus strand). Cytogenetic location: 1q41.
Variant type: single nucleotide variant.
Coding change: c.14134-3G>A on transcript NM_206933.4 (MANE Select); 3 bases into the intron before coding-DNA position 14134, G replaced by A.
Molecular consequence: intron variant.
Genome position (GRCh38, 1-based): chr1:215,650,804, C>T on the plus strand (G>A on the coding strand, the complement: USH2A is on the minus strand). VCF-style: chr1-215650804-C-T. GRCh37 (hg19) VCF-style: chr1-215824146-C-T.
Identifiers: ClinVar variation 1385737 (VCV001385737.8), dbSNP rs752163607, ClinGen allele CA1393110.

ClinVar aggregate classification (germline): Uncertain significance (1 of 4 stars; one submission).

Allele frequency attached by ClinVar (database versions not stated): gnomAD exomes 0.00001; TOPMed 0.00001; ExAC 0.00002.

Submission:

Labcorp Genetics (formerly Invitae), Labcorp
Classification: Uncertain significance. Last evaluated: 2020-10-28. Review status: criteria provided, single submitter. Criteria: Invitae Variant Classification Sherloc (09022015). Collection method: clinical testing. Allele origin: germline.
Comment: In summary, the available evidence is currently insufficient to determine the role of this variant in disease. Therefore, it has been classified as a Variant of Uncertain Significance. Nucleotide substitutions within the consensus splice site are a relatively common cause of aberrant splicing (PMID: 17576681, 9536098). Algorithms developed to predict the effect of sequence changes on RNA splicing suggest that this variant is not likely to affect RNA splicing, but this prediction has not been confirmed by published transcriptional studies. This variant has not been reported in the literature in individuals with USH2A-related conditions. This variant is present in population databases (rs752163607, ExAC 0.02%). This sequence change falls in intron 64 of the USH2A gene. It does not directly change the encoded amino acid sequence of the USH2A protein, but it affects a nucleotide within the consensus splice site of the intron.

Literature cited by the submitters: PubMed 17576681; PubMed 9536098.